The following is an entry in ClinVar:

NM_024640.4(YRDC):c.827C>T (p.Ala276Val)

Gene: YRDC (yrdC N6-threonylcarbamoyltransferase domain containing; minus strand). Cytogenetic location: 1p34.3.
Variant type: single nucleotide variant.
Coding change: c.827C>T on transcript NM_024640.4 (MANE Select); coding-DNA position 827, C replaced by T.
Protein change: p.Ala276Val; replaces alanine 276 with valine.
Molecular consequence: missense variant.
Genome position (GRCh38, 1-based): chr1:37,803,938, G>A on the plus strand (C>T on the coding strand, the complement: YRDC is on the minus strand). VCF-style: chr1-37803938-G-A. GRCh37 (hg19) VCF-style: chr1-38269610-G-A.
Other names: short protein forms A276V.
Identifiers: ClinVar variation 3983230 (VCV003983230.2).
Genomic context (GRCh38, chr1:37,803,938, plus strand): 5'-ACATAGTATCCAGCACCAGGTCTTGGGCCTTCCTGCTTCCCAGAGTTTCACAGGTAGGAC[G>A]CATGTGAGGGGAGCAGTCCGTACTTCTGTTGGAGGATGGCTGTAGTACTTTCCAGGGCAC-3'
Protein context (NP_078916.3, residues 266-279): QQKYGLLPSH[Ala276Val]SYL

ClinVar aggregate classification (germline): Uncertain significance. Review status: criteria provided, multiple submitters, no conflicts (2 of 4 stars). 2 submissions from 2 submitters: Uncertain significance (2). Last evaluated 2026-08-06.

Conditions:
Galloway-Mowat syndrome 10. Identifiers: MedGen C5562020, MONDO:0030476, OMIM 619609.

Submissions (2):

OLLIN Analises Genomicas, OLLIN
Classification: Uncertain significance for Galloway-Mowat syndrome 10. Last evaluated: 2026-08-06. Review status: criteria provided, single submitter. Criteria: ACMG Guidelines 2015 PMID 25741868. Collection method: clinical testing. Allele origin: germline.
Comment: This missense variant, located in exon 5 (of 5), has been reported in ClinVar (accession VCV003983230.1) and in gnomAD with an allele frequency of 0.00105%. However, to our knowledge, it has not been reported in the scientific literature. In silico analysis predicts that this variant has a tolerated effect. According to the currently available evidence, this variant has been classified as uncertain significance (PM2_P, BP4_M).

Ambry Genetics
Classification: Uncertain significance. Last evaluated: 2025-03-18. Review status: criteria provided, single submitter. Criteria: Ambry Variant Classification Scheme 2023. Collection method: clinical testing. Allele origin: germline.